The following is an entry in ClinVar:

NM_000245.4(MET):c.4028C>T (p.Thr1343Ile)

Gene: MET (MET proto-oncogene, receptor tyrosine kinase; plus strand). Cytogenetic location: 7q31.2.
Variant type: single nucleotide variant.
Coding change: c.4028C>T on transcript NM_000245.4 (MANE Select); coding-DNA position 4028, C replaced by T.
Protein change: p.Thr1343Ile; replaces threonine 1343 with isoleucine.
Molecular consequence: missense variant.
Genome position (GRCh38, 1-based): chr7:116,795,979, C>T. VCF-style: chr7-116795979-C-T. GRCh37 (hg19) VCF-style: chr7-116436033-C-T.
Other names: c.4082C>T, p.Thr1361Ile (NM_001127500.3); c.2738C>T, p.Thr913Ile (NM_001324402.2); short protein forms T913I, T1361I, T1343I.
Identifiers: ClinVar variation 4742239 (VCV004742239.1).

ClinVar aggregate classification (germline): Uncertain significance (1 of 4 stars; one submission).

Conditions:
Renal cell carcinoma. Identifiers: Orphanet 217071, MedGen C0007134, MeSH D002292, MONDO:0005086, HP:0005584.

Submission:

Labcorp Genetics (formerly Invitae), Labcorp
Classification: Uncertain significance for Renal cell carcinoma. Last evaluated: 2025-11-01. Review status: criteria provided, single submitter. Criteria: Invitae Variant Classification Sherloc (09022015). Collection method: clinical testing. Allele origin: germline.
Comment: This sequence change replaces threonine, which is neutral and polar, with isoleucine, which is neutral and non-polar, at codon 1361 of the MET protein (p.Thr1361Ile). This variant is not present in population databases (gnomAD no frequency). This variant has not been reported in the literature in individuals affected with MET-related conditions. Invitae Evidence Modeling of protein sequence and biophysical properties (such as structural, functional, and spatial information, amino acid conservation, physicochemical variation, residue mobility, and thermodynamic stability) indicates that this missense variant is not expected to disrupt MET protein function with a negative predictive value of 80%. In summary, the available evidence is currently insufficient to determine the role of this variant in disease. Therefore, it has been classified as a Variant of Uncertain Significance.